The following is an entry in ClinVar:

NM_001286577.2(C2CD3):c.2188A>G (p.Asn730Asp)

Gene: C2CD3 (C2 domain containing 3 centriole elongation regulator; minus strand). Cytogenetic location: 11q13.4.
Variant type: single nucleotide variant.
Coding change: c.2188A>G on transcript NM_001286577.2 (MANE Select); coding-DNA position 2188, A replaced by G.
Protein change: p.Asn730Asp; replaces asparagine 730 with aspartic acid.
Molecular consequence: missense variant.
Genome position (GRCh38, 1-based): chr11:74,103,523, T>C on the plus strand (A>G on the coding strand, the complement: C2CD3 is on the minus strand). VCF-style: chr11-74103523-T-C. GRCh37 (hg19) VCF-style: chr11-73814568-T-C.
Other names: c.2188A>G, p.Asn730Asp (NM_015531.6); short protein forms N730D.
Identifiers: ClinVar variation 735480 (VCV000735480.12), dbSNP rs540648021, ClinGen allele CA6182686.

ClinVar aggregate classification (germline): Likely benign. Review status: criteria provided, multiple submitters, no conflicts (2 of 4 stars). 3 submissions from 3 submitters: Likely benign (2). 1 of the submissions does not count toward it. Last evaluated 2025-10-23.

Conditions:
C2CD3-related disorder. Also called: C2CD3-related condition.

Allele frequency attached by ClinVar (database versions not stated): gnomAD below 0.00001 and 0.00007; TOPMed below 0.00001; gnomAD exomes 0.00016 and 0.00027; 1000 Genomes Project 30x 0.00031; ExAC 0.00032; 1000 Genomes Project 0.00040.
gnomAD v4.1: 238 of 1,614,168 alleles (0.015%); highest among the groups gnomAD compares: South Asian, 0.25%; 2 homozygotes.

Submissions (3):

Labcorp Genetics (formerly Invitae), Labcorp
Classification: Likely benign. Last evaluated: 2025-10-23. Review status: criteria provided, single submitter. Criteria: Invitae Variant Classification Sherloc (09022015). Collection method: clinical testing. Allele origin: germline.

Blueprint Genetics
Classification: Likely benign. Last evaluated: 2023-09-20. Review status: criteria provided, single submitter. Criteria: ACMG Guidelines, 2015. Collection method: clinical testing. Allele origin: germline.

PreventionGenetics, part of Exact Sciences
Classification: Likely benign for C2CD3-related condition. Last evaluated: 2022-04-06. Review status: no assertion criteria provided. Collection method: clinical testing. Allele origin: germline. Not counted in ClinVar's aggregate classification.
Comment: This variant is classified as likely benign based on ACMG/AMP sequence variant interpretation guidelines (Richards et al. 2015 PMID: 25741868, with internal and published modifications).